The following is an entry in ClinVar:

NC_000007.13:g.(?_107336358)_(107350664_?)del

Gene: SLC26A4 (solute carrier family 26 member 4; plus strand). Cytogenetic location: 7q22.3.
Variant type: Deletion.
Identifiers: ClinVar variation 3245848 (VCV003245848.1).

ClinVar aggregate classification (germline): Pathogenic (1 of 4 stars; one submission).

Submission:

Labcorp Genetics (formerly Invitae), Labcorp
Classification: Pathogenic. Last evaluated: 2023-05-10. Review status: criteria provided, single submitter. Criteria: Invitae Variant Classification Sherloc (09022015). Collection method: clinical testing. Allele origin: unknown.
Comment: For these reasons, this variant has been classified as Pathogenic. This variant disrupts a region of the SLC26A4 protein in which other variant(s) (p.Gly497Ser) have been determined to be pathogenic (PMID: 9500541, 26763877, 28964290). This suggests that this is a clinically significant region of the protein, and that variants that disrupt it are likely to be disease-causing. This variant has not been reported in the literature in individuals affected with SLC26A4-related conditions. This variant is a gross deletion of the genomic region encompassing exon(s) 13-19 of the SLC26A4 gene. This variant would be expected to be in-frame, preserving the integrity of the reading frame.

Literature cited by the submitters: PubMed 9500541; PubMed 26763877; PubMed 28964290.